The following is an entry in ClinVar:

NM_001369.3(DNAH5):c.815del (p.Asn272fs)

Gene: DNAH5 (dynein axonemal heavy chain 5; minus strand). Cytogenetic location: 5p15.2.
Variant type: Deletion.
Coding change: c.815del on transcript NM_001369.3 (MANE Select); coding-DNA position 815, one base deleted (A; older notation c.815delA).
Protein change: p.Asn272fs; shifts the reading frame from asparagine 272.
Molecular consequence: frameshift variant.
Genome position (GRCh38, 1-based): chr5:13,919,336, T deleted on the plus strand (A on the coding strand, the reverse complement: DNAH5 is on the minus strand); the first of 2 consecutive T bases (chr5:13,919,336-13,919,337); deleting either gives the same sequence. VCF-style (leftmost placement, unchanged base first): chr5-13919335-AT-A. GRCh37 (hg19) VCF-style: chr5-13919444-AT-A.
Other names: short protein forms N272fs.
Identifiers: ClinVar variation 5012904 (VCV005012904.1).
Genomic context (GRCh38, chr5:13,919,335, plus strand): 5'-TTTTTTCCAGTGCTCCAGCTCCGCTCGTGGCCCAACGTCATCCGCTTCCTTCAGCAGCTG[AT>A]TGTTTTCAGCAAGAACCTGCAAATGCGCGGGGAAAAACACGAGCCATTGCACGGGGCTGG-3'

ClinVar aggregate classification (germline): Pathogenic (1 of 4 stars; one submission).

Conditions:
Primary ciliary dyskinesia 3. Identifiers: Orphanet 244, MedGen C1837618, MONDO:0012085, OMIM 608644.

Submission:

Myriad Genetics, Inc.
Classification: Pathogenic for Primary ciliary dyskinesia 3. Last evaluated: 2024-04-09. Review status: criteria provided, single submitter. Criteria: Myriad Autosomal Dominant, Autosomal Recessive and X-Linked Classification Criteria (2023). Collection method: clinical testing. Allele origin: unknown.
Comment: NM_001369.2(DNAH5):c.815delA(N272Ifs*4) is expected to be pathogenic in the context of primary ciliary dyskinesia, DNAH5-related. This variant is predicted to lead to an abnormal or absent protein product due to the creation of a premature termination codon in DNAH5, a gene where loss-of-function variants are known to be pathogenic. Please note: this variant was assessed in the context of healthy population screening.